The following is an entry in ClinVar:

ClinVar aggregate classification (germline): Benign (0 of 4 stars; one submission).

Conditions:
B3GALNT1-related disorder. Also called: B3GALNT1-related condition.

Allele frequency attached by ClinVar (database versions not stated): 1000 Genomes Project 30x 0.03076; TOPMed 0.03156; ExAC 0.00394; gnomAD exomes 0.00454; gnomAD 0.02758; 1000 Genomes Project 0.02855.
gnomAD v4.1: 4,227 of 166,850 alleles (2.5%); highest among the groups gnomAD compares: African/African-American, 9.5%; 207 homozygotes.

Submission:

PreventionGenetics, part of Exact Sciences
Classification: Benign for B3GALNT1-related condition. Last evaluated: 2019-10-15. Review status: no assertion criteria provided. Collection method: clinical testing. Allele origin: germline.
Comment: This variant is classified as benign based on ACMG/AMP sequence variant interpretation guidelines (Richards et al. 2015 PMID: 25741868, with internal and published modifications).

NM_003781.4(B3GALNT1):c.-34-3271T>A

Gene: B3GALNT1 (beta-1,3-N-acetylgalactosaminyltransferase 1 (Globoside blood group); minus strand). Cytogenetic location: 3q26.1.
Variant type: single nucleotide variant.
Coding change: c.-34-3271T>A on transcript NM_003781.4 (MANE Select); 3271 bases into the intron before 34 bases upstream of the start codon, T replaced by A.
Molecular consequence: intron variant. On other transcripts: 5 prime UTR variant (12), missense variant (2).
Genome position (GRCh38, 1-based): chr3:161,090,059, A>T on the plus strand (T>A on the coding strand, the complement: B3GALNT1 is on the minus strand). VCF-style: chr3-161090059-A-T. GRCh37 (hg19) VCF-style: chr3-160807847-A-T.
Other names: c.-150T>A (NM_001038628.2, NM_001349137.2, NM_001349140.2 and 9 more transcripts); c.211T>A, p.Cys71Ser (NM_001349162.2, NM_001349163.2); c.-34-3271T>A (NM_001349142.2, NM_001349134.2, NM_033168.3 and 20 more transcripts); c.-132-18T>A (NM_001349133.2); short protein forms C71S.
Identifiers: ClinVar variation 3038134 (VCV003038134.2), dbSNP rs34184112, ClinGen allele CA2688293.
Genomic context (GRCh38, chr3:161,090,059, plus strand): 5'-ACGGAGATTGCAGTGAGCTGAGATCCTGCCACTGTACTCCAGCCTGGGCAACAGAGCAGC[A>T]AGACTGTCTCAAAATAAATAAACAAACATCATTAATAAGGGACAAAGGAGATGTTATTAC-3'